The following is an entry in ClinVar:

NM_177559.3(CSNK2A1):c.149A>G (p.Tyr50Cys)

Gene: CSNK2A1 (casein kinase 2 alpha 1; minus strand). Cytogenetic location: 20p13.
Variant type: single nucleotide variant.
Coding change: c.149A>G on transcript NM_177559.3 (MANE Select); coding-DNA position 149, A replaced by G.
Protein change: p.Tyr50Cys; replaces tyrosine 50 with cysteine.
Molecular consequence: missense variant. On other transcripts: 5 prime UTR variant (1).
Genome position (GRCh38, 1-based): chr20:505,182, T>C on the plus strand (A>G on the coding strand, the complement: CSNK2A1 is on the minus strand). VCF-style: chr20-505182-T-C. GRCh37 (hg19) VCF-style: chr20-485826-T-C.
Other names: c.149A>G, p.Tyr50Cys (NM_001362770.2, NM_001362771.2, NM_001895.4); c.-260A>G (NM_177560.3); short protein forms Y50C.
Identifiers: ClinVar variation 432689 (VCV000432689.18), dbSNP rs869312849, ClinGen allele CA407940083.

ClinVar aggregate classification (germline): Pathogenic/Likely pathogenic. Review status: criteria provided, multiple submitters, no conflicts (2 of 4 stars). 9 submissions from 9 submitters: Pathogenic (5); Likely pathogenic (1). 3 of the submissions do not count toward it. Last evaluated 2025-07-28.

Conditions:
CSNK2A1-related disorder. Also called: CSNK2A1-related condition; CSNK2A1- Related Disorders.
Okur-Chung neurodevelopmental syndrome (OCNDS). Identifiers: Orphanet 689422, MedGen C4310739, MONDO:0014893, OMIM 617062.

Submissions (9):

GeneDx
Classification: Pathogenic. Last evaluated: 2025-07-28. Review status: criteria provided, single submitter. Criteria: GeneDx Variant Classification Process June 2021. Collection method: clinical testing. Allele origin: germline. Affected: yes.
Comment: Not observed at significant frequency in large population cohorts (gnomAD); In silico analysis supports that this missense variant has a deleterious effect on protein structure/function; This variant is associated with the following publications: (PMID: 33057194, 35982159, 33994545, 32472542, 32371413, 38764027, 31729156, 34038195)

Institute of Medical Genetics and Applied Genomics, University Hospital Tübingen
Classification: Pathogenic for Okur-Chung neurodevelopmental syndrome. Last evaluated: 2023-07-31. Review status: criteria provided, single submitter. Criteria: ACMG Guidelines, 2015. Collection method: clinical testing. Allele origin: germline. Inheritance: Autosomal dominant inheritance. Affected: yes.

Laboratorio de Genetica e Diagnostico Molecular, Hospital Israelita Albert Einstein
Classification: Likely pathogenic for Okur-Chung neurodevelopmental syndrome. Last evaluated: 2022-01-24. Review status: criteria provided, single submitter. Criteria: ACMG Guidelines, 2015. Collection method: clinical testing. Allele origin: germline. Affected: yes.
Comment: ACMG classification criteria: PS4 supporting, PM2 moderate, PM5, PP2 supporting, PP3 supporting

Blueprint Genetics
Classification: Pathogenic for CSNK2A1-related disorders. Last evaluated: 2021-10-10. Review status: criteria provided, single submitter. Criteria: ACMG Guidelines, 2015. Collection method: clinical testing. Allele origin: de novo. Affected: yes. Observed: 1 variant allele.

Institute for Genomic Medicine (IGM) Clinical Laboratory, Nationwide Children's Hospital
Classification: Pathogenic for Okur-Chung neurodevelopmental syndrome. Last evaluated: 2018-03-26. Review status: criteria provided, single submitter. Criteria: ACMG Guidelines, 2015. Collection method: clinical testing. Allele origin: germline. Affected: yes.
Comment: [ACMG/AMP: PS2, PM2, PM5, PP2, PP5] This alteration is de novo in origin as it was not detected in the submitted parental specimens (identity confirmed) [PS2], is absent from or rarely observed in large-scale population databases [PM2], is a novel missense change at an amino residue where a different missense change has been deemed to be pathogenic [PM5], is a missense variant in a gene in which missense variants are a common mechanism of disease [PP2], was reported as a pathogenic/likely pathogenic alteration by a reputable source (ClinVar or other correspondence from a clinical testing laboratory) [PP5].

Kasturba Medical College, Manipal, Kasturba Medical College, Manipal, Manipal Academy of Higher Education, Manipal, India
Classification: Pathogenic for Okur-Chung neurodevelopmental syndrome. Review status: criteria provided, single submitter. Criteria: ACMG Guidelines, 2015. Collection method: research. Allele origin: de novo. Inheritance: Autosomal dominant inheritance. Affected: yes. Observed: 1 heterozygote.
Comment: This variant is not observed in our in-house data of 3802 exomes and in gnomAD database (v4.1.0). In silico prediction tools (CADD_phred, Revel) are consistent in predicting the variant to be damaging the CSNK2A1 protein function.

Laboratory of Molecular Genetics (Pr. Bezieau's lab), CHU de Nantes
Classification: Pathogenic. Last evaluated: 2018-01-02. Review status: no assertion criteria provided. Collection method: clinical testing. Allele origin: germline. Affected: yes. Not counted in ClinVar's aggregate classification.

Genome Diagnostics Laboratory, Amsterdam University Medical Center
Classification: Pathogenic. Review status: no assertion criteria provided. Collection method: clinical testing. Allele origin: germline. Affected: yes. Study: VKGL Data-share Consensus. Not counted in ClinVar's aggregate classification.

Joint Genome Diagnostic Labs from Nijmegen and Maastricht, Radboudumc and MUMC+
Classification: Likely pathogenic. Review status: no assertion criteria provided. Collection method: clinical testing. Allele origin: germline. Affected: yes. Study: VKGL Data-share Consensus. Not counted in ClinVar's aggregate classification.

Literature cited by the submitters: PubMed 31729156 (cited by Kasturba Medical College, Manipal, Kasturba Medical College, Manipal, Manipal Academy of Higher Education, Manipal, India); PubMed 32472542 (cited by Kasturba Medical College, Manipal, Kasturba Medical College, Manipal, Manipal Academy of Higher Education, Manipal, India).